The following is an entry in ClinVar:

NM_198253.3(TERT):c.1716G>T (p.Arg572Ser)

Gene: TERT (telomerase reverse transcriptase; minus strand). Cytogenetic location: 5p15.33.
Variant type: single nucleotide variant.
Coding change: c.1716G>T on transcript NM_198253.3 (MANE Select); coding-DNA position 1716, G replaced by T.
Protein change: p.Arg572Ser; replaces arginine 572 with serine.
Molecular consequence: missense variant. On other transcripts: non-coding transcript variant (2).
Genome position (GRCh38, 1-based): chr5:1,282,482, C>A on the plus strand (G>T on the coding strand, the complement: TERT is on the minus strand). VCF-style: chr5-1282482-C-A. GRCh37 (hg19) VCF-style: chr5-1282597-C-A.
Other names: c.1716G>T, p.Arg572Ser (NM_001193376.3); short protein forms R572S.
Identifiers: ClinVar variation 1057176 (VCV001057176.9), dbSNP rs2126649488, ClinGen allele CA359082965.
Genomic context (GRCh38, chr5:1,282,482, plus strand): 5'-ACAGTACCTGATTCCAATGCTTTGCAACTTGCTCCAGACACTCTTCCGGTAGAAAAAGAG[C>A]CTGTTCTTTTGAAACGTGGTCTCCGTGACATAAAAGAAAGACCTGAGCAGCTCGACGACG-3'
Protein context (NP_937983.2, residues 562-582): YVTETTFQKN[Arg572Ser]LFFYRKSVWS

ClinVar aggregate classification (germline): Uncertain significance (1 of 4 stars; one submission).

Conditions:
Dyskeratosis congenita, autosomal dominant 2. Identifiers: MedGen C3151443, MONDO:0013521, OMIM 613989.
Idiopathic Pulmonary Fibrosis. Also called: Idiopathic fibrosing alveolitis, chronic form; idiopathic fibrosing alveolitis. Identifiers: Orphanet 2032, MedGen C1800706, MeSH D054990, MONDO:0800504.

Submission:

Labcorp Genetics (formerly Invitae), Labcorp
Classification: Uncertain significance for Dyskeratosis congenita, autosomal dominant 2; Idiopathic Pulmonary Fibrosis. Last evaluated: 2020-07-27. Review status: criteria provided, single submitter. Criteria: Invitae Variant Classification Sherloc (09022015). Collection method: clinical testing. Allele origin: germline.
Comment: In summary, the available evidence is currently insufficient to determine the role of this variant in disease. Therefore, it has been classified as a Variant of Uncertain Significance. Advanced modeling of protein sequence and biophysical properties (such as structural, functional, and spatial information, amino acid conservation, physicochemical variation, residue mobility, and thermodynamic stability) performed at Invitae indicates that this missense variant is expected to disrupt TERT protein function. This variant has not been reported in the literature in individuals with TERT-related conditions. This variant is not present in population databases (ExAC no frequency). This sequence change replaces arginine with serine at codon 572 of the TERT protein (p.Arg572Ser). The arginine residue is moderately conserved and there is a moderate physicochemical difference between arginine and serine.